The following is an entry in ClinVar:

ClinVar aggregate classification (germline): Uncertain significance (1 of 4 stars; one submission).

Conditions:
Developmental and epileptic encephalopathy, 2 (DEE2). Also called: INFANTILE SPASM SYNDROME, X-LINKED 2; CDKL5 deficiency disorder. Identifiers: Orphanet 1934, Orphanet 3451, Orphanet 505652, MedGen C4750718, MONDO:0010396, OMIM 300672.
Angelman syndrome-like. Identifiers: MedGen CN128785.

Allele frequency attached by ClinVar (database versions not stated): gnomAD exomes below 0.00001; ExAC 0.00001; TOPMed 0.00001.
gnomAD v4.1: 1 of 1,209,080 alleles (0.000083%); highest among the groups gnomAD compares: Non-Finnish European, 0.00011%; no homozygotes.

Submission:

Labcorp Genetics (formerly Invitae), Labcorp
Classification: Uncertain significance for Developmental and epileptic encephalopathy, 2; Angelman syndrome-like. Last evaluated: 2024-03-25. Review status: criteria provided, single submitter. Criteria: Invitae Variant Classification Sherloc (09022015). Collection method: clinical testing. Allele origin: germline.
Comment: This sequence change replaces arginine, which is basic and polar, with isoleucine, which is neutral and non-polar, at codon 661 of the CDKL5 protein (p.Arg661Ile). This variant is present in population databases (rs770913092, gnomAD 0.001%). This variant has not been reported in the literature in individuals affected with CDKL5-related conditions. ClinVar contains an entry for this variant (Variation ID: 2109552). Advanced modeling of protein sequence and biophysical properties (such as structural, functional, and spatial information, amino acid conservation, physicochemical variation, residue mobility, and thermodynamic stability) performed at Invitae indicates that this missense variant is not expected to disrupt CDKL5 protein function with a negative predictive value of 95%. In summary, the available evidence is currently insufficient to determine the role of this variant in disease. Therefore, it has been classified as a Variant of Uncertain Significance.

NM_001323289.2(CDKL5):c.1982G>T (p.Arg661Ile)

Gene: CDKL5 (cyclin dependent kinase like 5; plus strand). Cytogenetic location: Xp22.13.
Variant type: single nucleotide variant.
Coding change: c.1982G>T on transcript NM_001323289.2 (MANE Select); coding-DNA position 1982, G replaced by T.
Protein change: p.Arg661Ile; replaces arginine 661 with isoleucine.
Molecular consequence: missense variant.
Genome position (GRCh38, 1-based): chrX:18,608,848, G>T. VCF-style: chrX-18608848-G-T. GRCh37 (hg19) VCF-style: chrX-18626968-G-T.
Other names: c.1982G>T, p.Arg661Ile (NM_001037343.2, NM_003159.3); short protein forms R661I.
Identifiers: ClinVar variation 2109552 (VCV002109552.4), dbSNP rs770913092, ClinGen allele CA10360438.